The following is an entry in ClinVar:

ClinVar aggregate classification (germline): Pathogenic. Review status: criteria provided, multiple submitters, no conflicts (2 of 4 stars). 5 submissions from 5 submitters: Pathogenic (4). 1 of the submissions does not count toward it. Last evaluated 2025-07-08.

Conditions:
Inborn genetic diseases. Identifiers: MedGen C0950123, MeSH D030342.
NFIA-Related Disorder. Also called: NFIA-related condition; NFIA-related disorders. Identifiers: MedGen CN381099.
Brain malformations with or without urinary tract defects. Also called: Brain malformations and urinary tract defects. Identifiers: MedGen C4478940, MONDO:0100478, OMIM 613735.

Submissions (5):

Ambry Genetics
Classification: Pathogenic for Inborn genetic diseases. Last evaluated: 2025-07-08. Review status: criteria provided, single submitter. Criteria: Ambry Variant Classification Scheme 2023. Collection method: clinical testing. Allele origin: germline.
Comment: The c.385C>T (p.R129*) alteration, located in exon 3 (coding exon 3) of the NFIA gene, consists of a C to T substitution at nucleotide position 385. This changes the amino acid from an arginine (R) to a stop codon at amino acid position 129. This alteration is expected to result in loss of function by premature protein truncation or nonsense-mediated mRNA decay. This variant was not reported in population-based cohorts in the Genome Aggregation Database (gnomAD). This variant was determined to be de novo and in cis with a second truncating NFIA variant in an individual with features consistent with NFIA-related multiple congenital anomalies syndrome (T&oslash;nne, 2022). Based on the available evidence, this alteration is classified as pathogenic.

Victorian Clinical Genetics Services, Murdoch Childrens Research Institute
Classification: Pathogenic for Brain malformations with or without urinary tract defects. Last evaluated: 2025-01-03. Review status: criteria provided, single submitter. Criteria: ACMG Guidelines, 2015. Collection method: clinical testing. Allele origin: germline. Affected: yes.
Comment: This variant is classified as Pathogenic. Evidence in support of pathogenic classification: Variant is predicted to cause nonsense-mediated decay (NMD) and loss of protein (premature termination codon is located at least 54 nucleotides upstream of the final exon-exon junction); Variant is absent from gnomAD (v2, v3 and v4); Other NMD variant(s) comparable to the one identified in this case have very strong previous evidence for pathogenicity (DECIPHER, ClinVar). Additional information: This variant is heterozygous; This gene is associated with autosomal dominant disease; Loss of function is a known mechanism of disease in this gene and is associated with brain malformations with or without urinary tract defects (MIM#613735); Variants in this gene are known to have variable expressivity. Intra-familial and inter-familial variable expressivity is observed (PMID: 28941020); Inheritance information for this variant is not currently available in this individual.

HudsonAlpha Institute for Biotechnology
Classification: Pathogenic for Brain malformations with or without urinary tract defects. Last evaluated: 2023-04-17. Review status: criteria provided, single submitter. Criteria: ACMG Guidelines, 2015. Collection method: research. Allele origin: maternal. Affected: yes. Observed: 2 variant alleles. Study: CSER-HudsonAlpha.

GeneDx
Classification: Pathogenic. Last evaluated: 2022-11-04. Review status: criteria provided, single submitter. Criteria: GeneDx Variant Classification Process June 2021. Collection method: clinical testing. Allele origin: germline. Affected: yes.
Comment: Identified apparently de novo, in cis, with another NFIA variant in a proband with metopic craniosynostosis, hydrocephalus, thin corpus callosum, mild developmental delay, autism, macrocephaly, supernumerary teeth, reduced vision, and dysmorphic facial features in the published literature (Tnne et al., 2022); Reported as c.385C>T in an individual from a large cohort of patients with neurodevelopmental disorders in the published literature (Wang et al., 2020); Nonsense variant predicted to result in protein truncation or nonsense mediated decay in a gene for which loss-of-function is a known mechanism of disease; Not observed at significant frequency in large population cohorts (gnomAD); This variant is associated with the following publications: (PMID: 33004838, 35080095)

PreventionGenetics, part of Exact Sciences
Classification: Pathogenic for NFIA-related condition. Last evaluated: 2024-07-03. Review status: no assertion criteria provided. Collection method: clinical testing. Allele origin: germline. Not counted in ClinVar's aggregate classification.
Comment: The NFIA c.250C>T variant is predicted to result in premature protein termination (p.Arg84*). This variant has been reported de novo in cis with another NFIA loss-of-function variant, in an individual with developmental delay, autism, dysmorphic features, hydrocephalus, abnormality of CNS, macrocephaly, and reduced vision (Table 1, Tonne et al. 2022. PubMedID: 35080095). This variant was also reported (using different nomenclature, c.385C>T) as maternally inherited in an individual with neurodevelopmental delay (maternal phenotype is unknown, Table S3, Wang et al. 2020. PubMed ID: 33004838). This variant has not been reported in a large population database, indicating it is rare. Nonsense variants in NFIA are expected to be pathogenic. This variant is interpreted as pathogenic.

Literature cited by the submitters: PubMed 35080095 (cited by Ambry Genetics); PubMed 28941020 (cited by Victorian Clinical Genetics Services, Murdoch Childrens Research Institute).

NM_001134673.4(NFIA):c.250C>T (p.Arg84Ter)

Gene: NFIA (nuclear factor I A; plus strand). Cytogenetic location: 1p31.3.
Variant type: single nucleotide variant.
Coding change: c.250C>T on transcript NM_001134673.4 (MANE Select); coding-DNA position 250, C replaced by T.
Protein change: p.Arg84Ter; replaces arginine 84 with a stop codon.
Molecular consequence: nonsense.
Genome position (GRCh38, 1-based): chr1:61,088,371, C>T. VCF-style: chr1-61088371-C-T. GRCh37 (hg19) VCF-style: chr1-61554043-C-T.
Other names: c.226C>T, p.Arg76Ter (NM_001145511.2); c.385C>T, p.Arg129Ter (NM_001145512.2); c.250C>T, p.Arg84Ter (NM_005595.5); c.385C>T (NM_001145512.1); short protein forms R76*, R84*, R129*.
Identifiers: ClinVar variation 489177 (VCV000489177.10), dbSNP rs1553149185, ClinGen allele CA340586626.